The following is an entry in ClinVar:

ClinVar aggregate classification (germline): Conflicting classifications of pathogenicity. Review status: criteria provided, conflicting classifications (1 of 4 stars). 2 submissions from 2 submitters: Uncertain significance (1); Likely benign (1). Last evaluated 2025-12-30.

Allele frequency attached by ClinVar (database versions not stated): ExAC 0.00002; gnomAD exomes 0.00004; gnomAD 0.00005 and 0.00006; TOPMed 0.00007.
gnomAD v4.1: 203 of 1,186,269 alleles (0.017%); highest among the groups gnomAD compares: Non-Finnish European, 0.023%; no homozygotes.

Submissions (2):

Labcorp Genetics (formerly Invitae), Labcorp
Classification: Uncertain significance. Last evaluated: 2025-12-30. Review status: criteria provided, single submitter. Criteria: Invitae Variant Classification Sherloc (09022015). Collection method: clinical testing. Allele origin: germline.
Comment: This sequence change replaces threonine, which is neutral and polar, with isoleucine, which is neutral and non-polar, at codon 354 of the SH3KBP1 protein (p.Thr354Ile). This variant is present in population databases (rs756363927, gnomAD 0.009%). This variant has not been reported in the literature in individuals affected with SH3KBP1-related conditions. ClinVar contains an entry for this variant (Variation ID: 1430562). Invitae Evidence Modeling of protein sequence and biophysical properties (such as structural, functional, and spatial information, amino acid conservation, physicochemical variation, residue mobility, and thermodynamic stability) indicates that this missense variant is not expected to disrupt SH3KBP1 protein function with a negative predictive value of 80%. In summary, the available evidence is currently insufficient to determine the role of this variant in disease. Therefore, it has been classified as a Variant of Uncertain Significance.

CeGaT Center for Human Genetics Tuebingen
Classification: Likely benign. Last evaluated: 2022-11-01. Review status: criteria provided, single submitter. Criteria: CeGaT Center For Human Genetics Tuebingen Variant Classification Criteria Version 2. Collection method: clinical testing. Allele origin: germline. Affected: yes. Observed: 1 variant allele.
Comment: SH3KBP1: BS2

NM_031892.3(SH3KBP1):c.1061C>T (p.Thr354Ile)

Gene: SH3KBP1 (SH3 domain containing kinase binding protein 1; minus strand). Cytogenetic location: Xp22.12.
Variant type: single nucleotide variant.
Coding change: c.1061C>T on transcript NM_031892.3 (MANE Select); coding-DNA position 1061, C replaced by T.
Protein change: p.Thr354Ile; replaces threonine 354 with isoleucine.
Molecular consequence: missense variant.
Genome position (GRCh38, 1-based): chrX:19,592,144, G>A on the plus strand (C>T on the coding strand, the complement: SH3KBP1 is on the minus strand). VCF-style: chrX-19592144-G-A. GRCh37 (hg19) VCF-style: chrX-19610262-G-A.
Other names: c.950C>T, p.Thr317Ile (NM_001024666.3); c.347C>T, p.Thr116Ile (NM_001184960.2, NM_001353897.2); c.1061C>T, p.Thr354Ile (NM_001353890.2); c.1136C>T, p.Thr379Ile (NM_001353891.2, NM_001353892.2); c.959C>T, p.Thr320Ile (NM_001353893.2, NM_001353894.2); c.1016C>T, p.Thr339Ile (NM_001353895.2); short protein forms T354I, T339I, T116I, T317I, T320I, T379I.
Identifiers: ClinVar variation 1430562 (VCV001430562.31), dbSNP rs756363927, ClinGen allele CA10364642.